The following is an entry in ClinVar:

NM_001079843.3(CASZ1):c.3216G>A (p.Pro1072=)

Gene: CASZ1 (castor zinc finger 1; minus strand). Cytogenetic location: 1p36.22.
Variant type: single nucleotide variant.
Coding change: c.3216G>A on transcript NM_001079843.3 (MANE Select); coding-DNA position 3216, G replaced by A.
Protein change: p.Pro1072=; no amino-acid change (proline 1072 retained).
Molecular consequence: synonymous variant.
Genome position (GRCh38, 1-based): chr1:10,648,082, C>T on the plus strand (G>A on the coding strand, the complement: CASZ1 is on the minus strand). VCF-style: chr1-10648082-C-T. GRCh37 (hg19) VCF-style: chr1-10708139-C-T.
Other names: c.3216G>A (NM_001079843.2); c.3216G>A, p.Pro1072= (NM_017766.5).
Identifiers: ClinVar variation 1594257 (VCV001594257.33), dbSNP rs542476738, ClinGen allele CA584573.

ClinVar aggregate classification (germline): Likely benign. Review status: criteria provided, multiple submitters, no conflicts (2 of 4 stars). 3 submissions from 3 submitters: Likely benign (3). Last evaluated 2026-06-09.

Conditions:
CASZ1-related disorder. Also called: CASZ1-related condition.

Allele frequency attached by ClinVar (database versions not stated): gnomAD 0.00019; TOPMed 0.00032; 1000 Genomes Project 30x 0.00078; 1000 Genomes Project 0.00080.
gnomAD v4.1: 191 of 1,579,702 alleles (0.012%); highest among the groups gnomAD compares: South Asian, 0.11%; 1 homozygote.

Submissions (3):

PreventionGenetics, part of Exact Sciences
Classification: Likely benign for CASZ1-related condition. Last evaluated: 2026-06-09. Review status: criteria provided, single submitter. Criteria: ACMG Guidelines, 2015. Collection method: clinical testing. Allele origin: germline.
Comment: This variant is classified as likely benign based on ACMG/AMP sequence variant interpretation guidelines (Richards et al. 2015 PMID: 25741868, with internal and published modifications).

Labcorp Genetics (formerly Invitae), Labcorp
Classification: Likely benign. Last evaluated: 2025-10-27. Review status: criteria provided, single submitter. Criteria: Invitae Variant Classification Sherloc (09022015). Collection method: clinical testing. Allele origin: germline.

CeGaT Center for Human Genetics Tuebingen
Classification: Likely benign. Last evaluated: 2022-10-01. Review status: criteria provided, single submitter. Criteria: CeGaT Center For Human Genetics Tuebingen Variant Classification Criteria Version 2. Collection method: clinical testing. Allele origin: germline. Affected: yes. Observed: 1 variant allele.
Comment: CASZ1: BP4, BP7